The following is an entry in ClinVar:

NM_001447.3(FAT2):c.3119A>C (p.Gln1040Pro)

Gene: FAT2 (FAT atypical cadherin 2; minus strand). Cytogenetic location: 5q33.1.
Variant type: single nucleotide variant.
Coding change: c.3119A>C on transcript NM_001447.3 (MANE Select); coding-DNA position 3119, A replaced by C.
Protein change: p.Gln1040Pro; replaces glutamine 1040 with proline.
Molecular consequence: missense variant.
Genome position (GRCh38, 1-based): chr5:151,565,813, T>G on the plus strand (A>C on the coding strand, the complement: FAT2 is on the minus strand). VCF-style: chr5-151565813-T-G. GRCh37 (hg19) VCF-style: chr5-150945374-T-G.
Other names: short protein forms Q1040P.
Identifiers: ClinVar variation 2730203 (VCV002730203.3), dbSNP rs755722289, ClinGen allele CA3521920.

ClinVar aggregate classification (germline): Uncertain significance (1 of 4 stars; one submission).

gnomAD v4.1: 207 of 1,614,070 alleles (0.013%); highest among the groups gnomAD compares: Non-Finnish European, 0.017%; no homozygotes.

Submission:

Labcorp Genetics (formerly Invitae), Labcorp
Classification: Uncertain significance. Last evaluated: 2025-03-17. Review status: criteria provided, single submitter. Criteria: Invitae Variant Classification Sherloc (09022015). Collection method: clinical testing. Allele origin: germline.
Comment: This sequence change replaces glutamine, which is neutral and polar, with proline, which is neutral and non-polar, at codon 1040 of the FAT2 protein (p.Gln1040Pro). This variant is present in population databases (rs755722289, gnomAD 0.01%). This variant has not been reported in the literature in individuals affected with FAT2-related conditions. ClinVar contains an entry for this variant (Variation ID: 2730203). Invitae Evidence Modeling of protein sequence and biophysical properties (such as structural, functional, and spatial information, amino acid conservation, physicochemical variation, residue mobility, and thermodynamic stability) indicates that this missense variant is not expected to disrupt FAT2 protein function with a negative predictive value of 80%. In summary, the available evidence is currently insufficient to determine the role of this variant in disease. Therefore, it has been classified as a Variant of Uncertain Significance.